The following is an entry in ClinVar:

NM_001378778.1(MPDZ):c.3223A>G (p.Arg1075Gly)

Gene: MPDZ (multiple PDZ domain crumbs cell polarity complex component; minus strand). Cytogenetic location: 9p23.
Variant type: single nucleotide variant.
Coding change: c.3223A>G on transcript NM_001378778.1 (MANE Select); coding-DNA position 3223, A replaced by G.
Protein change: p.Arg1075Gly; replaces arginine 1075 with glycine.
Molecular consequence: missense variant.
Genome position (GRCh38, 1-based): chr9:13,168,397, T>C on the plus strand (A>G on the coding strand, the complement: MPDZ is on the minus strand). VCF-style: chr9-13168397-T-C. GRCh37 (hg19) VCF-style: chr9-13168396-T-C.
Other names: c.3223A>G, p.Arg1075Gly (NM_001261406.2, NM_001261407.2, NM_001330637.2 and 14 more transcripts); short protein forms R1075G.
Identifiers: ClinVar variation 1486733 (VCV001486733.3), dbSNP rs1319875581, ClinGen allele CA372933482.

ClinVar aggregate classification (germline): Uncertain significance (1 of 4 stars; one submission).

Allele frequency attached by ClinVar (database versions not stated): gnomAD exomes 0.00001; TOPMed 0.00001.
gnomAD v4.1: 7 of 1,613,414 alleles (0.00043%); highest among the groups gnomAD compares: Non-Finnish European, 0.00059%; no homozygotes.

Submission:

Labcorp Genetics (formerly Invitae), Labcorp
Classification: Uncertain significance. Last evaluated: 2022-10-25. Review status: criteria provided, single submitter. Criteria: Invitae Variant Classification Sherloc (09022015). Collection method: clinical testing. Allele origin: germline.
Comment: This sequence change replaces arginine, which is basic and polar, with glycine, which is neutral and non-polar, at codon 1075 of the MPDZ protein (p.Arg1075Gly). This variant is not present in population databases (gnomAD no frequency). This variant has not been reported in the literature in individuals affected with MPDZ-related conditions. ClinVar contains an entry for this variant (Variation ID: 1486733). Algorithms developed to predict the effect of missense changes on protein structure and function (SIFT, PolyPhen-2, Align-GVGD) all suggest that this variant is likely to be disruptive. In summary, the available evidence is currently insufficient to determine the role of this variant in disease. Therefore, it has been classified as a Variant of Uncertain Significance.